The following is an entry in ClinVar:

ClinVar aggregate classification (germline): Likely benign (0 of 4 stars; one submission).

Conditions:
CDK19-related disorder. Also called: CDK19-related condition.

gnomAD v4.1: 3 of 1,614,094 alleles (0.00019%); highest among the groups gnomAD compares: African/African-American, 0.0027%; no homozygotes.

Submission:

PreventionGenetics, part of Exact Sciences
Classification: Likely benign for CDK19-related condition. Last evaluated: 2024-06-19. Review status: no assertion criteria provided. Collection method: clinical testing. Allele origin: germline.
Comment: This variant is classified as likely benign based on ACMG/AMP sequence variant interpretation guidelines (Richards et al. 2015 PMID: 25741868, with internal and published modifications).

NM_015076.5(CDK19):c.1326A>G (p.Leu442=)

Gene: CDK19 (cyclin dependent kinase 19; minus strand). Cytogenetic location: 6q21.
Variant type: single nucleotide variant.
Coding change: c.1326A>G on transcript NM_015076.5 (MANE Select); coding-DNA position 1326, A replaced by G.
Protein change: p.Leu442=; no amino-acid change (leucine 442 retained).
Molecular consequence: synonymous variant.
Genome position (GRCh38, 1-based): chr6:110,621,155, T>C on the plus strand (A>G on the coding strand, the complement: CDK19 is on the minus strand). VCF-style: chr6-110621155-T-C. GRCh37 (hg19) VCF-style: chr6-110942358-T-C.
Other names: c.1194A>G, p.Leu398= (NM_001300960.2); c.1146A>G, p.Leu382= (NM_001300963.2, NM_001300964.2).
Identifiers: ClinVar variation 3357327 (VCV003357327.1).